The following is an entry in ClinVar:

NM_001042492.3(NF1):c.2068G>A (p.Ala690Thr)

Gene: NF1 (neurofibromin 1; plus strand). Cytogenetic location: 17q11.2.
Variant type: single nucleotide variant.
Coding change: c.2068G>A on transcript NM_001042492.3 (MANE Select); coding-DNA position 2068, G replaced by A.
Protein change: p.Ala690Thr; replaces alanine 690 with threonine.
Molecular consequence: missense variant.
Genome position (GRCh38, 1-based): chr17:31,226,501, G>A. VCF-style: chr17-31226501-G-A. GRCh37 (hg19) VCF-style: chr17-29553519-G-A.
Other names: c.2068G>A, p.Ala690Thr (NM_000267.4); short protein forms A690T.
Identifiers: ClinVar variation 1785327 (VCV001785327.7), dbSNP rs2151425689, ClinGen allele CA398982153.

ClinVar aggregate classification (germline): Uncertain significance. Review status: criteria provided, multiple submitters, no conflicts (2 of 4 stars). 2 submissions from 2 submitters: Uncertain significance (2). Last evaluated 2025-05-05.

Conditions:
Hereditary cancer-predisposing syndrome. Also called: Tumor predisposition; Neoplastic Syndromes, Hereditary; Hereditary Cancer Syndrome; Hereditary neoplastic syndrome. Identifiers: Orphanet 140162, MedGen C0027672, MeSH D009386, MONDO:0015356.
Cardiovascular phenotype. Identifiers: MedGen CN230736.
Neurofibromatosis, type 1 (NF1). Also called: VON RECKLINGHAUSEN DISEASE; NEUROFIBROMATOSIS, TYPE I, SOMATIC; Peripheral type neurofibromatosis; Neurofibromatosis, type I. Identifiers: Orphanet 636, MedGen C0027831, MONDO:0018975, OMIM 162200. Disease mechanism: loss of function.

Allele frequency attached by ClinVar (database versions not stated): gnomAD exomes below 0.00001.
gnomAD v4.1: 2 of 1,613,872 alleles (0.00012%); highest among the groups gnomAD compares: Non-Finnish European, 0.000085%; no homozygotes.

Submissions (2):

Labcorp Genetics (formerly Invitae), Labcorp
Classification: Uncertain significance for Neurofibromatosis, type 1. Last evaluated: 2025-05-05. Review status: criteria provided, single submitter. Criteria: Invitae Variant Classification Sherloc (09022015). Collection method: clinical testing. Allele origin: germline.
Comment: This sequence change replaces alanine, which is neutral and non-polar, with threonine, which is neutral and polar, at codon 690 of the NF1 protein (p.Ala690Thr). This variant is not present in population databases (gnomAD no frequency). This variant has not been reported in the literature in individuals affected with NF1-related conditions. ClinVar contains an entry for this variant (Variation ID: 1785327). Invitae Evidence Modeling of protein sequence and biophysical properties (such as structural, functional, and spatial information, amino acid conservation, physicochemical variation, residue mobility, and thermodynamic stability) indicates that this missense variant is not expected to disrupt NF1 protein function with a negative predictive value of 95%. In summary, the available evidence is currently insufficient to determine the role of this variant in disease. Therefore, it has been classified as a Variant of Uncertain Significance.

Ambry Genetics
Classification: Uncertain significance for Cardiovascular phenotype; Hereditary cancer-predisposing syndrome. Last evaluated: 2023-08-30. Review status: criteria provided, single submitter. Criteria: Ambry Variant Classification Scheme 2023. Collection method: clinical testing. Allele origin: germline.
Comment: The p.A690T variant (also known as c.2068G>A), located in coding exon 18 of the NF1 gene, results from a G to A substitution at nucleotide position 2068. The alanine at codon 690 is replaced by threonine, an amino acid with similar properties. This amino acid position is well conserved in available vertebrate species. In addition, the in silico prediction for this alteration is inconclusive. Since supporting evidence is limited at this time, the clinical significance of this alteration remains unclear.